The following is an entry in ClinVar:

ClinVar aggregate classification (germline): Uncertain significance (1 of 4 stars; one submission).

Conditions:
Autosomal recessive limb-girdle muscular dystrophy type 2A (LGMDR1). Also called: LEYDEN-MOEBIUS MUSCULAR DYSTROPHY; MUSCULAR DYSTROPHY, PELVOFEMORAL; Calpainopathy; Muscular dystrophy, limb-girdle, type 2A, Amish; Limb-girdle muscular dystrophy, type 2A. Identifiers: Orphanet 267, MedGen C1869123, MONDO:0009675, OMIM 253600. Disease mechanism: loss of function.

Allele frequency attached by ClinVar (database versions not stated): TOPMed 0.00001.

Submission:

Labcorp Genetics (formerly Invitae), Labcorp
Classification: Uncertain significance for Autosomal recessive limb-girdle muscular dystrophy type 2A. Last evaluated: 2024-10-05. Review status: criteria provided, single submitter. Criteria: Invitae Variant Classification Sherloc (09022015). Collection method: clinical testing. Allele origin: germline.
Comment: This sequence change falls in intron 21 of the CAPN3 gene. It does not directly change the encoded amino acid sequence of the CAPN3 protein. It affects a nucleotide within the consensus splice site. This variant is not present in population databases (gnomAD no frequency). This variant has not been reported in the literature in individuals affected with CAPN3-related conditions. ClinVar contains an entry for this variant (Variation ID: 1414238). Variants that disrupt the consensus splice site are a relatively common cause of aberrant splicing (PMID: 17576681, 9536098). Algorithms developed to predict the effect of sequence changes on RNA splicing suggest that this variant is not likely to affect RNA splicing. In summary, the available evidence is currently insufficient to determine the role of this variant in disease. Therefore, it has been classified as a Variant of Uncertain Significance.

Literature cited by the submitters: PubMed 17576681; PubMed 9536098.

NM_000070.3(CAPN3):c.2263+3G>C

Gene: CAPN3 (calpain 3; plus strand). Cytogenetic location: 15q15.1.
Variant type: single nucleotide variant.
Coding change: c.2263+3G>C on transcript NM_000070.3 (MANE Select); 3 bases into the intron after coding-DNA position 2263, G replaced by C.
Molecular consequence: intron variant.
Genome position (GRCh38, 1-based): chr15:42,410,669, G>C. VCF-style: chr15-42410669-G-C. GRCh37 (hg19) VCF-style: chr15-42702867-G-C.
Other names: c.2245+3G>C (NM_024344.2); c.1987+3G>C (NM_173087.2); c.727+3G>C (NM_173088.2); c.268+3G>C (NM_173090.2, NM_173089.2).
Identifiers: ClinVar variation 1414238 (VCV001414238.6), dbSNP rs2054188689, ClinGen allele CA489885882.